The following is an entry in ClinVar:

NM_144997.7(FLCN):c.867C>T (p.Leu289=)

Gene: FLCN (folliculin; minus strand). Cytogenetic location: 17p11.2.
Variant type: single nucleotide variant.
Coding change: c.867C>T on transcript NM_144997.7 (MANE Select); coding-DNA position 867, C replaced by T.
Protein change: p.Leu289=; no amino-acid change (leucine 289 retained).
Molecular consequence: synonymous variant.
Genome position (GRCh38, 1-based): chr17:17,221,541, G>A on the plus strand (C>T on the coding strand, the complement: FLCN is on the minus strand). VCF-style: chr17-17221541-G-A. GRCh37 (hg19) VCF-style: chr17-17124855-G-A.
Other names: c.867C>T (LRG_325t1, NM_144997.6); c.921C>T, p.Leu307= (NM_001353229.2); c.867C>T, p.Leu289= (NM_001353230.2, NM_001353231.2, NM_144606.7).
Identifiers: ClinVar variation 460636 (VCV000460636.23), dbSNP rs367562964, ClinGen allele CA8416270.
Genomic context (GRCh38, chr17:17,221,541, plus strand): 5'-GGTACCGCCCCACGGCCATCCGGGCCAAGGCCCCGGCAACAGCACCCCTGCCTCACCAGC[G>A]AGCTTCTCCATCTGGACCAAGGTATCCTCGGTCGGAGCACCTTCCAGGAGCTTCTCGGTC-3'
Protein context (NP_659434.2, residues 279-299): TEDTLVQMEK[Leu289=]ADLEEESESW

ClinVar aggregate classification (germline): Benign/Likely benign. Review status: criteria provided, multiple submitters, no conflicts (2 of 4 stars). 8 submissions from 8 submitters: Benign (2); Likely benign (5). 1 of the submissions does not count toward it. Last evaluated 2026-01-28.

Conditions:
Birt-Hogg-Dube syndrome. Also called: Birt Hogg Dubé syndrome. Identifiers: Orphanet 122, MedGen C0346010, MONDO:0800444.
Colorectal cancer. Also called: Colorectal cancer, somatic; Malignant Colorectal Neoplasm. Identifiers: MedGen C0346629, MONDO:0005575, OMIM 114500.
Nonpapillary renal cell carcinoma. Identifiers: Orphanet 422526, MedGen CN074294, MONDO:0007763, OMIM 144700.
Familial spontaneous pneumothorax (PSP). Identifiers: Orphanet 2903, MedGen C1868193, MONDO:0008259, OMIM 173600.
17p11.2 microduplication syndrome (PTLS). Also called: CHROMOSOME 17p11.2 DUPLICATION SYNDROME; Potocki-Lupski syndrome; Duplication 17p11.2 syndrome; Potocki-Lupski syndrome (dup(17)(p11.2p11.2)). Identifiers: Orphanet 1713, MedGen C2931246, MONDO:0012574, OMIM 610883.
FLCN-related disorder. Also called: FLCN-related condition.
Birt-Hogg-Dube syndrome 1 (BHD1). Also called: FIBROFOLLICULOMAS WITH TRICHODISCOMAS AND ACROCHORDONS. Identifiers: Orphanet 122, MedGen CN375946, MONDO:0800445, OMIM 135150.
Hereditary cancer-predisposing syndrome. Also called: Hereditary neoplastic syndrome; Neoplastic Syndromes, Hereditary; Tumor predisposition; Hereditary Cancer Syndrome. Identifiers: Orphanet 140162, MedGen C0027672, MeSH D009386, MONDO:0015356.

Allele frequency attached by ClinVar (database versions not stated): gnomAD exomes 0.00003; TOPMed 0.00006; gnomAD 0.00007; ESP Exome Variant Server 0.00015.

Submissions (8):

Labcorp Genetics (formerly Invitae), Labcorp
Classification: Likely benign for Birt-Hogg-Dube syndrome. Last evaluated: 2026-01-28. Review status: criteria provided, single submitter. Criteria: Invitae Variant Classification Sherloc (09022015). Collection method: clinical testing. Allele origin: germline.

Quest Diagnostics Nichols Institute San Juan Capistrano
Classification: Benign. Last evaluated: 2025-03-11. Review status: criteria provided, single submitter. Criteria: Quest Diagnostics criteria. Collection method: clinical testing. Allele origin: unknown.

Myriad Genetics, Inc.
Classification: Benign for Birt-Hogg-Dube syndrome 1. Last evaluated: 2024-10-23. Review status: criteria provided, single submitter. Criteria: Myriad Autosomal Dominant, Autosomal Recessive and X-Linked Classification Criteria (2023). Collection method: clinical testing. Allele origin: unknown.
Comment: This variant is considered benign. This variant is a silent/synonymous amino acid change and it is not expected to impact splicing.

Fulgent Genetics
Classification: Likely benign for Colorectal cancer; Birt-Hogg-Dube syndrome 1; Nonpapillary renal cell carcinoma; Familial spontaneous pneumothorax; 17p11.2 microduplication syndrome. Last evaluated: 2022-03-24. Review status: criteria provided, single submitter. Criteria: ACMG Guidelines, 2015. Collection method: clinical testing. Allele origin: unknown.

Sema4
Classification: Likely benign for Hereditary cancer-predisposing syndrome. Last evaluated: 2021-03-31. Review status: criteria provided, single submitter. Criteria: Sema4 Curation Guidelines. Collection method: curation. Allele origin: germline.

GeneDx
Classification: Likely benign. Last evaluated: 2021-02-03. Review status: criteria provided, single submitter. Criteria: GeneDx Variant Classification Process June 2021. Collection method: clinical testing. Allele origin: germline. Affected: yes.

Ambry Genetics
Classification: Likely benign for Hereditary cancer-predisposing syndrome. Last evaluated: 2019-06-20. Review status: criteria provided, single submitter. Criteria: Ambry Variant Classification Scheme 2023. Collection method: clinical testing. Allele origin: germline.

PreventionGenetics, part of Exact Sciences
Classification: Likely benign for FLCN-related condition. Last evaluated: 2023-04-05. Review status: no assertion criteria provided. Collection method: clinical testing. Allele origin: germline. Not counted in ClinVar's aggregate classification.
Comment: This variant is classified as likely benign based on ACMG/AMP sequence variant interpretation guidelines (Richards et al. 2015 PMID: 25741868, with internal and published modifications).